The following is an entry in ClinVar:

ClinVar aggregate classification (germline): other (0 of 4 stars; one submission).

Conditions:
Familial colorectal cancer. Identifiers: MedGen CN280943, MONDO:0023113. Disease mechanism: loss of function.

Submission:

Systems Biology Platform Zhejiang California International NanoSystems Institute
Classification: other for Familial colorectal cancer. Review status: no assertion criteria provided. Collection method: not provided. Allele origin: unknown.
ClinVar note: Converted during submission from cancer to other.

NM_000038.6(APC):c.135+3679G>C

Gene: APC (APC regulator of WNT signaling pathway; plus strand). Cytogenetic location: 5q22.2.
Variant type: single nucleotide variant.
Coding change: c.135+3679G>C on transcript NM_000038.6 (MANE Select); 3679 bases into the intron after coding-DNA position 135, G replaced by C.
Molecular consequence: intron variant.
Genome position (GRCh38, 1-based): chr5:112,758,704, G>C. VCF-style: chr5-112758704-G-C. GRCh37 (hg19) VCF-style: chr5-112094401-G-C.
Other names: c.135+3679G>C (NM_001354895.2, NM_001127510.3, NM_001354896.2 and 2 more transcripts); c.166-7622G>C (NM_001354897.2, NM_001354902.2, NM_001127511.3); c.61-7622G>C (NM_001354898.2, NM_001354904.2); c.-901+3679G>C (NM_001354906.2); c.-42-7622G>C (NM_001354900.2, NM_001354901.2, NM_001354905.2).
Identifiers: ClinVar variation 82371 (VCV000082371.2), dbSNP rs75260747, ClinGen allele CA004344.